The following is an entry in ClinVar:

ClinVar aggregate classification (germline): Uncertain significance (1 of 4 stars; one submission).

Conditions:
Intellectual developmental disorder, X-linked 100. Also called: Intellectual disability, X-linked 100. Identifiers: MedGen C3890167, MONDO:0010488, OMIM 300923.

gnomAD v4.1: 1 of 1,211,560 alleles (0.000083%); highest among the groups gnomAD compares: African/African-American, 0.0017%; no homozygotes.

Submission:

Clinical Genomics Laboratory, Washington University in St. Louis
Classification: Uncertain significance for Intellectual developmental disorder, X-linked 100. Last evaluated: 2025-06-11. Review status: criteria provided, single submitter. Criteria: ACMG Guidelines, 2015. Collection method: clinical testing. Allele origin: germline.
Comment: The KIF4A c.2560T>G (p.Trp854Gly) variant, to our knowledge, has not been reported in the medical literature and is absent from the general population (gnomAD v.2.1.1), indicating it is not a common variant. Computational predictors are uncertain as to the impact of this variant on KIF4A function. Due to limited information, the clinical significance of this variant is uncertain.

NM_012310.5(KIF4A):c.2560T>G (p.Trp854Gly)

Gene: KIF4A (kinesin family member 4A; plus strand). Cytogenetic location: Xq13.1.
Variant type: single nucleotide variant.
Coding change: c.2560T>G on transcript NM_012310.5 (MANE Select); coding-DNA position 2560, T replaced by G.
Protein change: p.Trp854Gly; replaces tryptophan 854 with glycine.
Molecular consequence: missense variant.
Genome position (GRCh38, 1-based): chrX:70,402,636, T>G. VCF-style: chrX-70402636-T-G. GRCh37 (hg19) VCF-style: chrX-69622486-T-G.
Other names: short protein forms W854G.
Identifiers: ClinVar variation 4279781 (VCV004279781.1).
Genomic context (GRCh38, chrX:70,402,636, plus strand): 5'-ATTGCTGACCTACAGCAGAAGCTGCTGGATGCAGAAAGTGAAGACAGACCAAAACAACGC[T>G]GGGAGAATATTGCCACCATTCTGGAAGCCAAGTGTGCCCTGAAATATTTGATTGGAGAGG-3'
Protein context (NP_036442.3, residues 844-864): AESEDRPKQR[Trp854Gly]ENIATILEAK